The following is an entry in ClinVar:

NM_000038.6(APC):c.7789_7790delinsTT (p.Gly2597Leu)

Gene: APC (APC regulator of Wnt signaling pathway; plus strand). Cytogenetic location: 5q22.2.
Variant type: Indel.
Coding change: c.7789_7790delinsTT on transcript NM_000038.6 (MANE Select); coding-DNA positions 7789 to 7790, GG replaced by TT.
Protein change: p.Gly2597Leu; replaces glycine 2597 with leucine.
Molecular consequence: missense variant. On other transcripts: non-coding transcript variant (2).
Genome position (GRCh38, 1-based): chr5:112,843,383-112,843,384, GG replaced by TT. VCF-style: chr5-112843383-GG-TT. GRCh37 (hg19) VCF-style: chr5-112179080-GG-TT.
Other names: c.7789_7790delinsTT, p.Gly2597Leu (NM_001127510.3, NM_001354895.2, NM_001407450.1); c.7735_7736delinsTT, p.Gly2579Leu (NM_001127511.3); c.7843_7844delinsTT, p.Gly2615Leu (NM_001354896.2, NM_001407447.1, NM_001407448.1 and 1 more transcripts); c.7819_7820delinsTT, p.Gly2607Leu (NM_001354897.2); c.7714_7715delinsTT, p.Gly2572Leu (NM_001354898.2); c.7705_7706delinsTT, p.Gly2569Leu (NM_001354899.2); c.7666_7667delinsTT, p.Gly2556Leu (NM_001354900.2); c.7612_7613delinsTT, p.Gly2538Leu (NM_001354901.2, NM_001407453.1); and 11 more; short protein forms G2471L, G2496L, G2569L, G2587L, G2213L, G2468L, G2572L, G2615L.
Identifiers: ClinVar variation 2733518 (VCV002733518.3), dbSNP rs2533819708, ClinGen allele CA2697546408.
Genomic context (GRCh38, chr5:112,843,383, plus strand): 5'-TCATCAGAATCCAGTGAAAAAGCAAAAAGTGAGGATGAAAAACATGTGAACTCTATTTCA[GG>TT]AACCAAACAAAGTAAAGAAAACCAAGTATCCGCAAAAGGAACATGGAGAAAAATAAAAGA-3'
Protein context (NP_000029.2, residues 2587-2607): EDEKHVNSIS[Gly2597Leu]TKQSKENQVS

ClinVar aggregate classification (germline): Uncertain significance (1 of 4 stars; one submission).

Conditions:
Familial adenomatous polyposis 1 (FAP1). Also called: POLYPOSIS, ADENOMATOUS INTESTINAL; FAMILIAL ADENOMATOUS POLYPOSIS 1, ATTENUATED. Identifiers: MedGen C2713442, MONDO:0021056, OMIM 175100. Disease mechanism: loss of function.

Submission:

Labcorp Genetics (formerly Invitae), Labcorp
Classification: Uncertain significance for Familial adenomatous polyposis 1. Last evaluated: 2023-06-30. Review status: criteria provided, single submitter. Criteria: Invitae Variant Classification Sherloc (09022015). Collection method: clinical testing. Allele origin: germline.
Comment: In summary, the available evidence is currently insufficient to determine the role of this variant in disease. Therefore, it has been classified as a Variant of Uncertain Significance. An algorithm developed to predict the effect of missense changes on protein structure and function (PolyPhen-2) suggests that this variant is likely to be tolerated. This variant has not been reported in the literature in individuals affected with APC-related conditions. Information on the frequency of this variant in the gnomAD database is not available, as this variant may be reported differently in the database. This sequence change replaces glycine, which is neutral and non-polar, with leucine, which is neutral and non-polar, at codon 2597 of the APC protein (p.Gly2597Leu).